The following is an entry in ClinVar:

ClinVar aggregate classification (germline): Uncertain significance (1 of 4 stars; one submission).

Conditions:
Arrhythmogenic right ventricular dysplasia 13. Also called: Arrhythmogenic right ventricular dysplasia, familial, 13; ARRHYTHMOGENIC RIGHT VENTRICULAR CARDIOMYOPATHY 13. Identifiers: MedGen C3810138, MONDO:0000908, OMIM 615616.

Allele frequency attached by ClinVar (database versions not stated): TOPMed below 0.00001; gnomAD exomes 0.00001.
gnomAD v4.1: 20 of 1,601,748 alleles (0.0012%); highest among the groups gnomAD compares: Non-Finnish European, 0.0017%; no homozygotes.

Submission:

Labcorp Genetics (formerly Invitae), Labcorp
Classification: Uncertain significance for Arrhythmogenic right ventricular dysplasia 13. Last evaluated: 2025-02-20. Review status: criteria provided, single submitter. Criteria: Invitae Variant Classification Sherloc (09022015). Collection method: clinical testing. Allele origin: germline.
Comment: This sequence change affects a donor splice site in intron 8 of the CTNNA3 gene. It is expected to disrupt RNA splicing. Variants that disrupt the donor or acceptor splice site typically lead to a loss of protein function (PMID: 16199547), however the current clinical and genetic evidence is not sufficient to establish whether loss-of-function variants in CTNNA3 cause disease. This variant is not present in population databases (gnomAD no frequency). This variant has not been reported in the literature in individuals affected with CTNNA3-related conditions. ClinVar contains an entry for this variant (Variation ID: 568786). Algorithms developed to predict the effect of sequence changes on RNA splicing suggest that this variant may disrupt the consensus splice site. In summary, the available evidence is currently insufficient to determine the role of this variant in disease. Therefore, it has been classified as a Variant of Uncertain Significance.

Literature cited by the submitters: PubMed 16199547.

NM_013266.4(CTNNA3):c.1128+2T>A

Gene: CTNNA3 (catenin alpha 3; minus strand). Cytogenetic location: 10q21.3.
Variant type: single nucleotide variant.
Coding change: c.1128+2T>A on transcript NM_013266.4 (MANE Select); the canonical splice donor site of the intron after coding-DNA position 1128, T replaced by A.
Molecular consequence: splice donor variant.
Genome position (GRCh38, 1-based): chr10:66,775,442, A>T on the plus strand (T>A on the coding strand, the complement: CTNNA3 is on the minus strand). VCF-style: chr10-66775442-A-T. GRCh37 (hg19) VCF-style: chr10-68535200-A-T.
Other names: c.1128+2T>A (NM_001127384.3).
Identifiers: ClinVar variation 568786 (VCV000568786.7), dbSNP rs1564675010, ClinGen allele CA377092101.
Genomic context (GRCh38, chr10:66,775,442, plus strand): 5'-CAATGAATAACAGTTTCATTTAGCCCCTATGTTTCTGACTCCATATCTCTCTCTTCCCTC[A>T]CCTGTCTGCGAAGGTCTCTTGTCTTCTTACACATGTTGTCTAAAGCAATATTCAGGGTAT-3'